The following is an entry in ClinVar:

ClinVar aggregate classification (germline): Uncertain significance (1 of 4 stars; one submission).

Submission:

Ambry Genetics
Classification: Uncertain significance. Last evaluated: 2026-05-26. Review status: criteria provided, single submitter. Criteria: Ambry Variant Classification Scheme 2023. Collection method: clinical testing. Allele origin: germline.
Comment: The p.S576N variant (also known as c.1727G>A), located in coding exon 1 of the MLH3 gene, results from a G to A substitution at nucleotide position 1727. The serine at codon 576 is replaced by asparagine, an amino acid with highly similar properties. This amino acid position is conserved. In addition, this alteration is predicted to be tolerated by in silico analysis. Based on the available evidence, the clinical significance of this variant remains unclear.

NM_001040108.2(MLH3):c.1727G>A (p.Ser576Asn)

Gene: MLH3 (mutL homolog 3; minus strand). Cytogenetic location: 14q24.3.
Variant type: single nucleotide variant.
Coding change: c.1727G>A on transcript NM_001040108.2 (MANE Select); coding-DNA position 1727, G replaced by A.
Protein change: p.Ser576Asn; replaces serine 576 with asparagine.
Molecular consequence: missense variant.
Genome position (GRCh38, 1-based): chr14:75,047,929, C>T on the plus strand (G>A on the coding strand, the complement: MLH3 is on the minus strand). VCF-style: chr14-75047929-C-T. GRCh37 (hg19) VCF-style: chr14-75514632-C-T.
Other names: c.1727G>A, p.Ser576Asn (NM_014381.3); short protein forms S576N.
Identifiers: ClinVar variation 4860218 (VCV004860218.1).
Genomic context (GRCh38, chr14:75,047,929, plus strand): 5'-AAAACATTTCTTCTTCCACAATTGCTAGATTCTTTTTTTTTCTCTTTCTCTGTCTGAGCA[C>T]TATGTACTCCCCATAATGTTGTTGCAAAAGGCAGAGGCTGGCATCCCACTTCAGTAGCAT-3'
Protein context (NP_001035197.1, residues 566-586): PFATTLWGVH[Ser576Asn]AQTEKEKKKE